The following is an entry in ClinVar:

ClinVar aggregate classification (germline): Uncertain significance. Review status: criteria provided, multiple submitters, no conflicts (2 of 4 stars). 4 submissions from 2 submitters: Uncertain significance (4). Last evaluated 2025-02-10.

Conditions:
Autosomal dominant nonsyndromic hearing loss 11. Identifiers: Orphanet 90635, MedGen C1832475, MONDO:0011032, OMIM 601317.
Autosomal recessive nonsyndromic hearing loss 2. Also called: DEAFNESS, AUTOSOMAL RECESSIVE 2; NEUROSENSORY NONSYNDROMIC RECESSIVE DEAFNESS 2. Identifiers: Orphanet 90636, MedGen C1838701, MONDO:0010807, OMIM 600060.
Usher syndrome type 1 (USH1). Also called: RETINITIS PIGMENTOSA AND CONGENITAL DEAFNESS. Identifiers: Orphanet 231169, Orphanet 886, MedGen C1568247, MONDO:0010168, OMIM 276900.

gnomAD v4.1: 4 of 1,610,448 alleles (0.00025%); highest among the groups gnomAD compares: Non-Finnish European, 0.00034%; no homozygotes.

Submissions (4):

Labcorp Genetics (formerly Invitae), Labcorp
Classification: Uncertain significance. Last evaluated: 2025-02-10. Review status: criteria provided, single submitter. Criteria: Invitae Variant Classification Sherloc (09022015). Collection method: clinical testing. Allele origin: germline.
Comment: This sequence change replaces asparagine, which is neutral and polar, with lysine, which is basic and polar, at codon 52 of the MYO7A protein (p.Asn52Lys). This variant is not present in population databases (gnomAD no frequency). This variant has not been reported in the literature in individuals affected with MYO7A-related conditions. ClinVar contains an entry for this variant (Variation ID: 306152). Invitae Evidence Modeling of protein sequence and biophysical properties (such as structural, functional, and spatial information, amino acid conservation, physicochemical variation, residue mobility, and thermodynamic stability) indicates that this missense variant is not expected to disrupt MYO7A protein function with a negative predictive value of 95%. In summary, the available evidence is currently insufficient to determine the role of this variant in disease. Therefore, it has been classified as a Variant of Uncertain Significance.

Illumina Laboratory Services, Illumina
Classification: Uncertain significance for Autosomal recessive nonsyndromic hearing loss 2. Last evaluated: 2018-01-13. Review status: criteria provided, single submitter. Criteria: ICSL Variant Classification Criteria 13 December 2019. Collection method: clinical testing. Allele origin: germline.

Illumina Laboratory Services, Illumina
Classification: Uncertain significance for Autosomal dominant nonsyndromic hearing loss 11. Last evaluated: 2018-01-13. Review status: criteria provided, single submitter. Criteria: ICSL Variant Classification Criteria 13 December 2019. Collection method: clinical testing. Allele origin: germline.

Illumina Laboratory Services, Illumina
Classification: Uncertain significance for Usher syndrome type 1. Last evaluated: 2018-01-13. Review status: criteria provided, single submitter. Criteria: ICSL Variant Classification Criteria 13 December 2019. Collection method: clinical testing. Allele origin: germline.

NM_000260.4(MYO7A):c.156C>G (p.Asn52Lys)

Gene: MYO7A (myosin VIIA; plus strand). Cytogenetic location: 11q13.5.
Variant type: single nucleotide variant.
Coding change: c.156C>G on transcript NM_000260.4 (MANE Select); coding-DNA position 156, C replaced by G.
Protein change: p.Asn52Lys; replaces asparagine 52 with lysine.
Molecular consequence: missense variant.
Genome position (GRCh38, 1-based): chr11:77,147,821, C>G. VCF-style: chr11-77147821-C-G. GRCh37 (hg19) VCF-style: chr11-76858867-C-G.
Other names: c.156C>G, p.Asn52Lys (NM_001127180.2); c.123C>G, p.Asn41Lys (NM_001369365.1); short protein forms N52K, N41K.
Identifiers: ClinVar variation 306152 (VCV000306152.8), dbSNP rs886048669, ClinGen allele CA10639457.